The following is an entry in ClinVar:

NM_001370259.2(MEN1):c.301G>A (p.Val101Ile)

Gene: MEN1 (menin 1; minus strand). Cytogenetic location: 11q13.1.
Variant type: single nucleotide variant.
Coding change: c.301G>A on transcript NM_001370259.2 (MANE Select); coding-DNA position 301, G replaced by A.
Protein change: p.Val101Ile; replaces valine 101 with isoleucine.
Molecular consequence: missense variant.
Genome position (GRCh38, 1-based): chr11:64,809,809, C>T on the plus strand (G>A on the coding strand, the complement: MEN1 is on the minus strand). VCF-style: chr11-64809809-C-T. GRCh37 (hg19) VCF-style: chr11-64577281-C-T.
Other names: c.301G>A, p.Val101Ile (NM_130802.3, NM_130803.3, NM_130804.3 and 9 more transcripts); short protein forms V101I.
Identifiers: ClinVar variation 822596 (VCV000822596.13), dbSNP rs1242887389, ClinGen allele CA381187452.

ClinVar aggregate classification (germline): Uncertain significance. Review status: criteria provided, multiple submitters, no conflicts (2 of 4 stars). 2 submissions from 2 submitters: Uncertain significance (2). Last evaluated 2025-09-12.

Conditions:
Hereditary cancer-predisposing syndrome. Also called: Hereditary Cancer Syndrome; Neoplastic Syndromes, Hereditary; Hereditary neoplastic syndrome; Tumor predisposition. Identifiers: Orphanet 140162, MedGen C0027672, MeSH D009386, MONDO:0015356.
Multiple endocrine neoplasia, type 1 (MEN1). Also called: MEN I; WERMER SYNDROME; Endocrine adenomatosis multiple; MEN 1; MEA I. Identifiers: Orphanet 652, MedGen C0025267, MeSH D018761, MONDO:0007540, OMIM 131100.

Allele frequency attached by ClinVar (database versions not stated): gnomAD exomes below 0.00001; TOPMed below 0.00001.

Submissions (2):

Labcorp Genetics (formerly Invitae), Labcorp
Classification: Uncertain significance for Multiple endocrine neoplasia, type 1. Last evaluated: 2025-09-12. Review status: criteria provided, single submitter. Criteria: Invitae Variant Classification Sherloc (09022015). Collection method: clinical testing. Allele origin: germline.
Comment: This sequence change replaces valine, which is neutral and non-polar, with isoleucine, which is neutral and non-polar, at codon 101 of the MEN1 protein (p.Val101Ile). This variant is present in population databases (no rsID available, gnomAD 0.0009%). This variant has not been reported in the literature in individuals affected with MEN1-related conditions. ClinVar contains an entry for this variant (Variation ID: 822596). Invitae Evidence Modeling of protein sequence and biophysical properties (such as structural, functional, and spatial information, amino acid conservation, physicochemical variation, residue mobility, and thermodynamic stability) indicates that this missense variant is expected to disrupt MEN1 protein function with a positive predictive value of 80%. In summary, the available evidence is currently insufficient to determine the role of this variant in disease. Therefore, it has been classified as a Variant of Uncertain Significance.

Ambry Genetics
Classification: Uncertain significance for Hereditary cancer-predisposing syndrome. Last evaluated: 2024-12-11. Review status: criteria provided, single submitter. Criteria: Ambry Variant Classification Scheme 2023. Collection method: clinical testing. Allele origin: germline.
Comment: The p.V101I variant (also known as c.301G>A), located in coding exon 1 of the MEN1 gene, results from a G to A substitution at nucleotide position 301. The valine at codon 101 is replaced by isoleucine, an amino acid with highly similar properties. This amino acid position is highly conserved in available vertebrate species. In addition, the in silico prediction for this alteration is inconclusive. Based on the available evidence, the clinical significance of this variant remains unclear.